The following is an entry in ClinVar:

NM_000090.4(COL3A1):c.3213C>G (p.Gly1071=)

Gene: COL3A1 (collagen type III alpha 1 chain; plus strand). Cytogenetic location: 2q32.2.
Variant type: single nucleotide variant.
Coding change: c.3213C>G on transcript NM_000090.4 (MANE Select); coding-DNA position 3213, C replaced by G.
Protein change: p.Gly1071=; no amino-acid change (glycine 1071 retained).
Molecular consequence: synonymous variant.
Genome position (GRCh38, 1-based): chr2:189,006,948, C>G. VCF-style: chr2-189006948-C-G. GRCh37 (hg19) VCF-style: chr2-189871674-C-G.
Identifiers: ClinVar variation 3386481 (VCV003386481.1).

ClinVar aggregate classification (germline): Likely benign (1 of 4 stars; one submission).

Conditions:
Ehlers-Danlos syndrome, type 4 (EDSVASC). Also called: Ehlers-Danlos syndrome vascular type; Ehlers Danlos syndrome, ecchymotic type; Ehlers Danlos syndrome, arterial type; Ehlers Danlos syndrome, Sack-Barabas type; Ehlers-Danlos Syndrome Type IV. Identifiers: Orphanet 286, MedGen C0268338, MONDO:0017314, OMIM 130050.

Submission:

All of Us Research Program, National Institutes of Health
Classification: Likely benign for Ehlers-Danlos syndrome, type 4. Last evaluated: 2024-04-16. Review status: criteria provided, single submitter. Criteria: ACMG Guidelines, 2015. Collection method: clinical testing. Allele origin: germline. Inheritance: Autosomal dominant inheritance. Observed: 1 variant allele, 1 heterozygote.
Comment: This study involves interpretation of variants in research participants for the purpose of population health screening. Participant phenotype was not available at the time of variant classification. Additional details can be found in publication PMID: 35346344, PMCID: PMC8962531